The following is an entry in ClinVar:

NM_000077.5(CDKN2A):c.392G>A (p.Arg131His)

Gene: CDKN2A (cyclin dependent kinase inhibitor 2A; minus strand). Cytogenetic location: 9p21.3.
Variant type: single nucleotide variant.
Coding change: c.392G>A on transcript NM_000077.5; coding-DNA position 392, G replaced by A.
Protein change: p.Arg131His; replaces arginine 131 with histidine.
Molecular consequence: missense variant (on NM_000077.6). On other transcripts: 3 prime UTR variant (2).
Genome position (GRCh38, 1-based): chr9:21,970,967, C>T on the plus strand (G>A on the coding strand, the complement: CDKN2A is on the minus strand). VCF-style: chr9-21970967-C-T. GRCh37 (hg19) VCF-style: chr9-21970966-C-T.
Other names: c.392G>A, p.Arg131His (NM_000077.6, NM_001195132.2); c.239G>A, p.Arg80His (NM_001363763.2); c.*36G>A (NM_058195.4); c.*315G>A (NM_058197.5); short protein forms R131H, R80H.
Identifiers: ClinVar variation 620615 (VCV000620615.13), dbSNP rs1563888782, ClinGen allele CA373085925.

ClinVar aggregate classification (germline): Uncertain significance. Review status: criteria provided, multiple submitters, no conflicts (2 of 4 stars). 3 submissions from 3 submitters: Uncertain significance (3). Last evaluated 2023-06-29.

Conditions:
Familial melanoma. Also called: Hereditary melanoma; Hereditary cutaneous melanoma. Identifiers: Orphanet 618, MedGen C1512419, MONDO:0018961.
Retinoblastoma (RB1). Also called: RETINOBLASTOMA, SOMATIC. Identifiers: Orphanet 790, MedGen C0035335, MeSH D012175, MONDO:0008380, OMIM 180200, HP:0009919. Disease mechanism: loss of function. Inheritance: Both sporadic and heritable forms are tested..
Hereditary cancer-predisposing syndrome. Also called: Neoplastic Syndromes, Hereditary; Tumor predisposition; Hereditary Cancer Syndrome; Hereditary neoplastic syndrome. Identifiers: Orphanet 140162, MedGen C0027672, MeSH D009386, MONDO:0015356.

Allele frequency attached by ClinVar (database versions not stated): gnomAD exomes below 0.00001.
gnomAD v4.1: 2 of 1,611,558 alleles (0.00012%); highest among the groups gnomAD compares: Non-Finnish European, 0.00017%; no homozygotes.

Submissions (3):

Labcorp Genetics (formerly Invitae), Labcorp
Classification: Uncertain significance for Familial melanoma. Last evaluated: 2023-06-29. Review status: criteria provided, single submitter. Criteria: Invitae Variant Classification Sherloc (09022015). Collection method: clinical testing. Allele origin: germline.
Comment: This variant is not present in population databases (gnomAD no frequency). This sequence change replaces arginine, which is basic and polar, with histidine, which is basic and polar, at codon 131 of the CDKN2A (p16INK4a) protein (p.Arg131His). This variant has not been reported in the literature in individuals affected with CDKN2A (p16INK4a)-related conditions. In summary, the available evidence is currently insufficient to determine the role of this variant in disease. Therefore, it has been classified as a Variant of Uncertain Significance. Algorithms developed to predict the effect of missense changes on protein structure and function output the following: SIFT: "Not Available"; PolyPhen-2: "Benign"; Align-GVGD: "Not Available". The histidine amino acid residue is found in multiple mammalian species, which suggests that this missense change does not adversely affect protein function. ClinVar contains an entry for this variant (Variation ID: 620615).

Ambry Genetics
Classification: Uncertain significance for Hereditary cancer-predisposing syndrome. Last evaluated: 2022-09-28. Review status: criteria provided, single submitter. Criteria: Ambry Variant Classification Scheme 2023. Collection method: clinical testing. Allele origin: germline.
Comment: The p.R131H variant (also known as c.392G>A), located in coding exon 2 of the CDKN2A gene, results from a G to A substitution at nucleotide position 392. The arginine at codon 131 is replaced by histidine, an amino acid with highly similar properties. This amino acid position is well conserved in available vertebrate species. In addition, this alteration is predicted to be tolerated by in silico analysis. Since supporting evidence is limited at this time, the clinical significance of this alteration remains unclear.

St. Jude Molecular Pathology, St. Jude Children's Research Hospital
Classification: Uncertain significance for Retinoblastoma. Last evaluated: 2016-09-26. Review status: criteria provided, single submitter. Criteria: ACMG Guidelines, 2015. Collection method: clinical testing. Allele origin: germline. Affected: yes.